The following is an entry in ClinVar:

ClinVar aggregate classification (germline): Uncertain significance (1 of 4 stars; one submission).

Conditions:
Fanconi anemia (FA). Also called: Fanconi's anemia. Identifiers: Orphanet 84, MedGen C0015625, MeSH D005199, MONDO:0019391.

Submission:

Labcorp Genetics (formerly Invitae), Labcorp
Classification: Uncertain significance for Fanconi anemia. Last evaluated: 2021-08-02. Review status: criteria provided, single submitter. Criteria: Invitae Variant Classification Sherloc (09022015). Collection method: clinical testing. Allele origin: germline.
Comment: In summary, the available evidence is currently insufficient to determine the role of this variant in disease. Therefore, it has been classified as a Variant of Uncertain Significance. Experimental studies and prediction algorithms are not available or were not evaluated, and the functional significance of this variant is currently unknown. This variant has not been reported in the literature in individuals affected with FANCA-related conditions. This variant results in a copy number gain of the genomic region encompassing exon(s) 37-43 of the FANCA gene. The 5' boundary is likely confined to intron 36. The 3' end of this event is unknown as it extends beyond the assayed region for this gene and therefore may encompass additional genes. As the precise location of this event is unknown, it may be in tandem or it may be located elsewhere in the genome.

NC_000016.9:g.(?_89805009)_(89809366_?)dup

Genes: FANCA (FA complementation group A; minus strand), ZNF276 (zinc finger protein 276; plus strand). Cytogenetic location: 16q24.3.
Variant type: Duplication.
Identifiers: ClinVar variation 1441803 (VCV001441803.4).